The following is an entry in ClinVar:

ClinVar aggregate classification (germline): Benign/Likely benign. Review status: criteria provided, multiple submitters, no conflicts (2 of 4 stars). 5 submissions from 4 submitters: Benign (2); Likely benign (3). Last evaluated 2023-07-31.

Conditions:
Seckel syndrome 1 (SCKL1). Also called: MICROCEPHALIC PRIMORDIAL DWARFISM I. Identifiers: Orphanet 808, MedGen C4551474, MONDO:0008869, OMIM 210600.
Familial cutaneous telangiectasia and oropharyngeal predisposition cancer syndrome. Identifiers: Orphanet 313846, MedGen C3281203, MONDO:0013806, OMIM 614564.

Allele frequency attached by ClinVar (database versions not stated): gnomAD exomes 0.00001 and below 0.00001.
gnomAD v4.1: 2 of 1,609,584 alleles (0.00012%); highest among the groups gnomAD compares: Middle Eastern, 0.017%; no homozygotes.

Submissions (5):

Labcorp Genetics (formerly Invitae), Labcorp
Classification: Likely benign. Last evaluated: 2023-07-31. Review status: criteria provided, single submitter. Criteria: Invitae Variant Classification Sherloc (09022015). Collection method: clinical testing. Allele origin: germline.

Genome-Nilou Lab
Classification: Benign for Seckel syndrome 1. Last evaluated: 2023-02-08. Review status: criteria provided, single submitter. Criteria: ACMG Guidelines, 2015. Collection method: clinical testing. Allele origin: germline.

Genome-Nilou Lab
Classification: Benign for Familial cutaneous telangiectasia and oropharyngeal predisposition cancer syndrome. Last evaluated: 2023-02-08. Review status: criteria provided, single submitter. Criteria: ACMG Guidelines, 2015. Collection method: clinical testing. Allele origin: germline.

GeneDx
Classification: Likely benign. Last evaluated: 2017-01-27. Review status: criteria provided, single submitter. Criteria: GeneDx Variant Classification (06012015). Collection method: clinical testing. Allele origin: germline. Affected: yes.
Comment: This variant is considered likely benign or benign based on one or more of the following criteria: it is a conservative change, it occurs at a poorly conserved position in the protein, it is predicted to be benign by multiple in silico algorithms, and/or has population frequency not consistent with disease.

Breakthrough Genomics
Classification: Likely benign. Review status: criteria provided, single submitter. Criteria: ACMG Guidelines, 2015. Collection method: not provided. Allele origin: germline. Inheritance: Autosomal recessive inheritance. Affected: yes.

NM_001184.4(ATR):c.7192+18T>C

Gene: ATR (ATR checkpoint kinase; minus strand). Cytogenetic location: 3q23.
Variant type: single nucleotide variant.
Coding change: c.7192+18T>C on transcript NM_001184.4 (MANE Select); 18 bases into the intron after coding-DNA position 7192, T replaced by C.
Molecular consequence: intron variant.
Genome position (GRCh38, 1-based): chr3:142,461,922, A>G on the plus strand (T>C on the coding strand, the complement: ATR is on the minus strand). VCF-style: chr3-142461922-A-G. GRCh37 (hg19) VCF-style: chr3-142180764-A-G.
Other names: c.7000+18T>C (NM_001354579.2).
Identifiers: ClinVar variation 517691 (VCV000517691.10), dbSNP rs1349447137, ClinGen allele CA546572984.